The following is an entry in ClinVar:

NM_000424.4(KRT5):c.1065A>C (p.Thr355=)

Gene: KRT5 (keratin 5; minus strand). Cytogenetic location: 12q13.13.
Variant type: single nucleotide variant.
Coding change: c.1065A>C on transcript NM_000424.4 (MANE Select); coding-DNA position 1065, A replaced by C.
Protein change: p.Thr355=; no amino-acid change (threonine 355 retained).
Molecular consequence: synonymous variant.
Genome position (GRCh38, 1-based): chr12:52,517,617, T>G on the plus strand (A>C on the coding strand, the complement: KRT5 is on the minus strand). VCF-style: chr12-52517617-T-G. GRCh37 (hg19) VCF-style: chr12-52911401-T-G.
Identifiers: ClinVar variation 66198 (VCV000066198.17), dbSNP rs4761924, ClinGen allele CA216641.
Genomic context (GRCh38, chr12:52,517,617, plus strand): 5'-CCTCACTCAGGAGACAGTCATCAGAGCACCCACCTTGGTCTGATACCAGGACTCGGCTTC[T>G]GTCCGGCTGCGGTTGGCAATCTCCTCATACTGGGCCTTGACCTCAGCGATGATGCTATCC-3'
Protein context (NP_000415.2, residues 345-365): QYEEIANRSR[Thr355=]EAESWYQTKY

ClinVar aggregate classification (germline): Benign. Review status: criteria provided, multiple submitters, no conflicts (2 of 4 stars). 6 submissions from 6 submitters: Benign (5). 1 of the submissions does not count toward it. Last evaluated 2026-02-03.

Conditions:
Epidermolysis bullosa simplex. Also called: Epidermolysis bullosa simplex, Weber-Cockayne type (subtype); Epidermolysis bullosa simplex, Dowling-Meara type (subtype); Epidermolysis bullosa simplex with mottled pigmentation (subtype). Identifiers: Orphanet 304, MedGen C0079298, MONDO:0017610.

Allele frequency attached by ClinVar (database versions not stated): ExAC 0.13000; gnomAD 0.15330 and 0.14910; ESP Exome Variant Server 0.15162; 1000 Genomes Project 30x 0.13054; gnomAD exomes 0.13218; 1000 Genomes Project 0.12859; TOPMed 0.15425.
gnomAD v4.1: 214,297 of 1,614,020 alleles (13%); highest among the groups gnomAD compares: Middle Eastern, 19%; 15,074 homozygotes.

Submissions (6):

Labcorp Genetics (formerly Invitae), Labcorp
Classification: Benign. Last evaluated: 2026-02-03. Review status: criteria provided, single submitter. Criteria: Invitae Variant Classification Sherloc (09022015). Collection method: clinical testing. Allele origin: germline.

Illumina Laboratory Services, Illumina
Classification: Benign for Epidermolysis bullosa simplex. Last evaluated: 2018-01-13. Review status: criteria provided, single submitter. Criteria: ICSL Variant Classification Criteria 13 December 2019. Collection method: clinical testing. Allele origin: germline.
Comment: This variant was observed in the ICSL laboratory as part of a predisposition screen in an ostensibly healthy population. It had not been previously curated by ICSL or reported in the Human Gene Mutation Database (HGMD: prior to June 1st, 2018), and was therefore a candidate for classification through an automated scoring system. Utilizing variant allele frequency, disease prevalence and penetrance estimates, and inheritance mode, an automated score was calculated to assess if this variant is too frequent to cause the disease. Based on the score and internal cut-off values, a variant classified as benign is not then subjected to further curation. The score for this variant resulted in a classification of benign for this disease.

GeneDx
Classification: Benign. Last evaluated: 2015-03-03. Review status: criteria provided, single submitter. Criteria: GeneDx Variant Classification Process June 2021. Collection method: clinical testing. Allele origin: germline. Affected: yes.

Breakthrough Genomics
Classification: Benign. Review status: criteria provided, single submitter. Criteria: ACMG Guidelines, 2015. Collection method: not provided. Allele origin: germline. Inheritance: Autosomal recessive inheritance. Affected: yes.

PreventionGenetics, part of Exact Sciences
Classification: Benign. Review status: criteria provided, single submitter. Criteria: ACMG Guidelines, 2015. Collection method: clinical testing. Allele origin: germline.

Epithelial Biology;  Institute of Medical Biology, Singapore
No classification provided. Review status: no classification provided. Collection method: not provided. Allele origin: not provided. Not counted in ClinVar's aggregate classification.